The following is an entry in ClinVar:

NM_001378120.1(MBD5):c.3827A>C (p.Glu1276Ala)

Gene: MBD5 (methyl-CpG binding domain protein 5; plus strand). Cytogenetic location: 2q23.1.
Variant type: single nucleotide variant.
Coding change: c.3827A>C on transcript NM_001378120.1 (MANE Select); coding-DNA position 3827, A replaced by C.
Protein change: p.Glu1276Ala; replaces glutamic acid 1276 with alanine.
Molecular consequence: missense variant.
Genome position (GRCh38, 1-based): chr2:148,489,459, A>C. VCF-style: chr2-148489459-A-C. GRCh37 (hg19) VCF-style: chr2-149247028-A-C.
Other names: c.3128A>C, p.Glu1043Ala (NM_018328.5); short protein forms E1043A, E1276A.
Identifiers: ClinVar variation 3686268 (VCV003686268.2).

ClinVar aggregate classification (germline): Uncertain significance (1 of 4 stars; one submission).

Conditions:
Intellectual developmental disorder, autosomal dominant 1. Also called: MBD5 Haploinsufficiency; Intellectual disability, autosomal dominant 1. Identifiers: Orphanet 228402, MedGen C1969562, MONDO:0007974, OMIM 156200.

Submission:

Labcorp Genetics (formerly Invitae), Labcorp
Classification: Uncertain significance for Intellectual developmental disorder, autosomal dominant 1. Last evaluated: 2024-03-27. Review status: criteria provided, single submitter. Criteria: Invitae Variant Classification Sherloc (09022015). Collection method: clinical testing. Allele origin: germline.
Comment: This sequence change replaces glutamic acid, which is acidic and polar, with alanine, which is neutral and non-polar, at codon 1043 of the MBD5 protein (p.Glu1043Ala). This variant is not present in population databases (gnomAD no frequency). This variant has not been reported in the literature in individuals affected with MBD5-related conditions. Advanced modeling of protein sequence and biophysical properties (such as structural, functional, and spatial information, amino acid conservation, physicochemical variation, residue mobility, and thermodynamic stability) performed at Invitae indicates that this missense variant is not expected to disrupt MBD5 protein function with a negative predictive value of 80%. In summary, the available evidence is currently insufficient to determine the role of this variant in disease. Therefore, it has been classified as a Variant of Uncertain Significance.